The following is an entry in ClinVar:

NM_173470.3(MMGT1):c.286C>T (p.Arg96Cys)

Gene: MMGT1 (membrane magnesium transporter 1; minus strand). Cytogenetic location: Xq26.3.
Variant type: single nucleotide variant.
Coding change: c.286C>T on transcript NM_173470.3 (MANE Select); coding-DNA position 286, C replaced by T.
Protein change: p.Arg96Cys; replaces arginine 96 with cysteine.
Molecular consequence: missense variant.
Genome position (GRCh38, 1-based): chrX:135,965,134, G>A on the plus strand (C>T on the coding strand, the complement: MMGT1 is on the minus strand). VCF-style: chrX-135965134-G-A. GRCh37 (hg19) VCF-style: chrX-135047293-G-A.
Other names: c.286C>T, p.Arg96Cys (NM_001330000.2); short protein forms R96C.
Identifiers: ClinVar variation 3769649 (VCV003769649.1).
Genomic context (GRCh38, chrX:135,965,134, plus strand): 5'-ACAATGCATCTTGGTTTGAAGAATTTGCTGTATCCGAAGGCCGGAAAAGTACTCGACCAC[G>A]ATGATTAAATACATAAAAGGATGGGTGATTCCTTAACGTATCAAATGTCCTTGAAAGAAG-3'
Protein context (NP_775741.1, residues 86-106): NHPSFYVFNH[Arg96Cys]GRVLFRPSDT

ClinVar aggregate classification (germline): Uncertain significance (1 of 4 stars; one submission).

Conditions:
Hypotonia. Also called: Muscular hypotonia; poor muscle tone. Identifiers: MedGen C0026827, HP:0001252.

Submission:

Clinical Genetics Laboratory, Skane University Hospital Lund
Classification: Uncertain significance for Hypotonia. Last evaluated: 2024-11-19. Review status: criteria provided, single submitter. Criteria: ACMG Guidelines, 2015. Collection method: clinical testing. Allele origin: de novo. Inheritance: X-linked inheritance. Affected: yes.
Comment: ACMG criteria used: PS4_Supporting (PMID: 33057194), PM2